The following is an entry in ClinVar:

ClinVar aggregate classification (germline): Uncertain significance (1 of 4 stars; one submission).

Conditions:
Fanconi anemia complementation group J. Also called: BRIP1-Related Fanconi Anemia. Identifiers: Orphanet 84, MedGen C1836860, MONDO:0012187, OMIM 609054.
Familial cancer of breast. Also called: BREAST CANCER, FAMILIAL; Hereditary breast cancer; hereditary breast carcinoma. Identifiers: Orphanet 227535, MedGen C0346153, MONDO:0016419, OMIM 114480. Disease mechanism: loss of function.

Submission:

Labcorp Genetics (formerly Invitae), Labcorp
Classification: Uncertain significance for Familial cancer of breast; Fanconi anemia complementation group J. Last evaluated: 2025-01-23. Review status: criteria provided, single submitter. Criteria: Invitae Variant Classification Sherloc (09022015). Collection method: clinical testing. Allele origin: germline.
Comment: This sequence change replaces lysine, which is basic and polar, with asparagine, which is neutral and polar, at codon 70 of the BRIP1 protein (p.Lys70Asn). This variant is not present in population databases (gnomAD no frequency). This variant has not been reported in the literature in individuals affected with BRIP1-related conditions. Invitae Evidence Modeling of protein sequence and biophysical properties (such as structural, functional, and spatial information, amino acid conservation, physicochemical variation, residue mobility, and thermodynamic stability) has been performed for this missense variant. However, the output from this modeling did not meet the statistical confidence thresholds required to predict the impact of this variant on BRIP1 protein function. In summary, the available evidence is currently insufficient to determine the role of this variant in disease. Therefore, it has been classified as a Variant of Uncertain Significance.

NM_032043.3(BRIP1):c.210A>T (p.Lys70Asn)

Gene: BRIP1 (BRCA1 interacting DNA helicase 1; minus strand). Cytogenetic location: 17q23.2.
Variant type: single nucleotide variant.
Coding change: c.210A>T on transcript NM_032043.3 (MANE Select); coding-DNA position 210, A replaced by T.
Protein change: p.Lys70Asn; replaces lysine 70 with asparagine.
Molecular consequence: missense variant.
Genome position (GRCh38, 1-based): chr17:61,857,227, T>A on the plus strand (A>T on the coding strand, the complement: BRIP1 is on the minus strand). VCF-style: chr17-61857227-T-A. GRCh37 (hg19) VCF-style: chr17-59934588-T-A.
Other names: short protein forms K70N.
Identifiers: ClinVar variation 3759048 (VCV003759048.2).